The following is an entry in ClinVar:

ClinVar aggregate classification (germline): Uncertain significance. Review status: criteria provided, multiple submitters, no conflicts (2 of 4 stars). 4 submissions from 4 submitters: Uncertain significance (4). Last evaluated 2025-06-24.

Conditions:
Inborn genetic diseases. Identifiers: MedGen C0950123, MeSH D030342.
Retinitis pigmentosa 78 (RP78). Identifiers: MedGen C4479481, MONDO:0044314, OMIM 617433.

Allele frequency attached by ClinVar (database versions not stated): gnomAD 0.00006; TOPMed 0.00006.
gnomAD v4.1: 15 of 1,613,508 alleles (0.00093%); highest among the groups gnomAD compares: African/African-American, 0.016%; no homozygotes.

Submissions (4):

Ambry Genetics
Classification: Uncertain significance for Inborn genetic diseases. Last evaluated: 2025-06-24. Review status: criteria provided, single submitter. Criteria: Ambry Variant Classification Scheme 2023. Collection method: clinical testing. Allele origin: germline.

Blueprint Genetics
Classification: Uncertain significance. Last evaluated: 2022-08-23. Review status: criteria provided, single submitter. Criteria: ACMG Guidelines, 2015. Collection method: clinical testing. Allele origin: germline.

Labcorp Genetics (formerly Invitae), Labcorp
Classification: Uncertain significance. Last evaluated: 2022-06-20. Review status: criteria provided, single submitter. Criteria: Invitae Variant Classification Sherloc (09022015). Collection method: clinical testing. Allele origin: germline.
Comment: This sequence change replaces arginine, which is basic and polar, with leucine, which is neutral and non-polar, at codon 302 of the ARHGEF18 protein (p.Arg302Leu). In summary, the available evidence is currently insufficient to determine the role of this variant in disease. Therefore, it has been classified as a Variant of Uncertain Significance. Algorithms developed to predict the effect of missense changes on protein structure and function output the following: SIFT: "Deleterious"; PolyPhen-2: "Benign"; Align-GVGD: "Class C35". The leucine amino acid residue is found in multiple mammalian species, which suggests that this missense change does not adversely affect protein function. ClinVar contains an entry for this variant (Variation ID: 814002). This variant has not been reported in the literature in individuals affected with ARHGEF18-related conditions. This variant is present in population databases (no rsID available, gnomAD 0.01%).

Broad Center for Mendelian Genomics, Broad Institute of MIT and Harvard
Classification: Uncertain significance for Retinitis pigmentosa 78. Last evaluated: 2018-12-03. Review status: criteria provided, single submitter. Criteria: ACMG Guidelines, 2015. Collection method: research. Allele origin: germline. Inheritance: Autosomal recessive inheritance. Affected: yes.
Comment: The p.Arg302Leu variant in ARHGEF18 has not been previously reported in individuals with retinitis pigmentosa and has been identified in 0.01250% (3/24002) of African chromosomes by the Genome Aggregation Database (gnomAD). Although this variant has been seen in the general population, its frequency is low enough to be consistent with a recessive carrier frequency. Computational prediction tools and conservation analyses suggest that this variant may not impact the protein, though this information is not predictive enough to rule out pathogenicity. In addition, some mammals have Leu at this residue. In summary, the clinical significance of the p.Arg302Leu variant is uncertain. ACMG/AMP Criteria applied: PM2, BP4 (Richards 2015).

NM_001367823.1(ARHGEF18):c.1469G>T (p.Arg490Leu)

Gene: ARHGEF18 (Rho/Rac guanine nucleotide exchange factor 18; plus strand). Cytogenetic location: 19p13.2.
Variant type: single nucleotide variant.
Coding change: c.1469G>T on transcript NM_001367823.1 (MANE Select); coding-DNA position 1469, G replaced by T.
Protein change: p.Arg490Leu; replaces arginine 490 with leucine.
Molecular consequence: missense variant.
Genome position (GRCh38, 1-based): chr19:7,444,312, G>T. VCF-style: chr19-7444312-G-T. GRCh37 (hg19) VCF-style: chr19-7509198-G-T.
Other names: c.905G>T (NM_001130955.1); c.743G>T, p.Arg248Leu (NM_001130955.2); c.431G>T, p.Arg144Leu (NM_001367824.1, NM_015318.4); short protein forms R490L, R144L, R248L.
Identifiers: ClinVar variation 814002 (VCV000814002.13), dbSNP rs960519789, ClinGen allele CA304885378.
Genomic context (GRCh38, chr19:7,444,312, plus strand): 5'-TGAAGGTGTACTCCAGGGCCCTGCAGGAGGAGCTGCAGTTCAGCAGCAAGGCCATTGGCC[G>T]CCTCTTCCCATGCGCTGACGACCTGCTGGAGACGCACAGCCACTTCCTCGCTCGGCTCAA-3'
Protein context (NP_001354752.1, residues 480-500): ELQFSSKAIG[Arg490Leu]LFPCADDLLE